The following is an entry in ClinVar:

ClinVar aggregate classification (germline): Conflicting classifications of pathogenicity. Review status: criteria provided, conflicting classifications (1 of 4 stars). 7 submissions from 7 submitters: Uncertain significance (1); Likely benign (4). 2 of the submissions do not count toward it. Last evaluated 2026-05-01.

Conditions:
FASTKD2-related disorder. Also called: FASTKD2-related condition.
Mitochondrial complex IV deficiency, nuclear type 1 (MC4DN1). Also called: COX DEFICIENCY; Mitochondrial complex IV deficiency; Complex 4 mitochondrial respiratory chain deficiency; Deficiency of mitochondrial respiratory chain complex4; Complex IV deficiency. Identifiers: MedGen C5435656, MONDO:0700250, OMIM 220110. Disease mechanism: loss of function.
Inborn genetic diseases. Identifiers: MedGen C0950123, MeSH D030342.

Allele frequency attached by ClinVar (database versions not stated): ExAC 0.00111; 1000 Genomes Project 0.00120; 1000 Genomes Project 30x 0.00125; ESP Exome Variant Server 0.00131; gnomAD exomes 0.00132 and 0.00149; gnomAD 0.00182 and 0.00196; TOPMed 0.00244.
gnomAD v4.1: 2,481 of 1,612,958 alleles (0.15%); highest among the groups gnomAD compares: Admixed American, 0.32%; 2 homozygotes.

Submissions (28):

CeGaT Center for Human Genetics Tuebingen
Classification: Likely benign. Last evaluated: 2026-05-01. Review status: criteria provided, single submitter. Criteria: CeGaT Center For Human Genetics Tuebingen Variant Classification Criteria Version 2. Collection method: clinical testing. Allele origin: germline. Affected: yes. Observed: 1 variant allele.
Comment: FASTKD2: BP4, BS2

Labcorp Genetics (formerly Invitae), Labcorp
Classification: Likely benign. Last evaluated: 2026-01-26. Review status: criteria provided, single submitter. Criteria: Invitae Variant Classification Sherloc (09022015). Collection method: clinical testing. Allele origin: germline.

GeneDx
Classification: Likely benign. Last evaluated: 2024-03-11. Review status: criteria provided, single submitter. Criteria: GeneDx Variant Classification Process June 2021. Collection method: clinical testing. Allele origin: germline. Affected: yes.
Comment: See Variant Classification Assertion Criteria.

Ambry Genetics
Classification: Likely benign for Inborn genetic diseases. Last evaluated: 2021-10-21. Review status: criteria provided, single submitter. Criteria: Ambry Variant Classification Scheme 2023. Collection method: clinical testing. Allele origin: germline.

Illumina Laboratory Services, Illumina
Classification: Uncertain significance for Mitochondrial complex IV deficiency, nuclear type 1. Last evaluated: 2018-01-13. Review status: criteria provided, single submitter. Criteria: ICSL Variant Classification Criteria 13 December 2019. Collection method: clinical testing. Allele origin: germline.

PreventionGenetics, part of Exact Sciences
Classification: Likely benign for FASTKD2-related condition. Last evaluated: 2020-03-20. Review status: no assertion criteria provided. Collection method: clinical testing. Allele origin: germline. Not counted in ClinVar's aggregate classification.
Comment: This variant is classified as likely benign based on ACMG/AMP sequence variant interpretation guidelines (Richards et al. 2015 PMID: 25741868, with internal and published modifications).

Mayo Clinic Laboratories, Mayo Clinic
Classification: Uncertain significance. Last evaluated: 2016-02-29. Review status: no assertion criteria provided. Collection method: clinical testing. Allele origin: unknown. Not counted in ClinVar's aggregate classification.

Dr. Peter K. Rogan Lab, Western University
No classification provided (evidence only). Condition: Clear cell carcinoma of kidney. Review status: no classification provided. Collection method: in vitro. Allele origin: not applicable. Functional consequence: retained intron. Not counted in ClinVar's aggregate classification.

Dr. Peter K. Rogan Lab, Western University
No classification provided (evidence only). Condition: Clear cell carcinoma of kidney. Review status: no classification provided. Collection method: in vitro. Allele origin: not applicable. Functional consequence: retained intron. Not counted in ClinVar's aggregate classification.

Dr. Peter K. Rogan Lab, Western University
No classification provided (evidence only). Condition: Clear cell carcinoma of kidney. Review status: no classification provided. Collection method: in vitro. Allele origin: not applicable. Functional consequence: retained intron. Not counted in ClinVar's aggregate classification.

Dr. Peter K. Rogan Lab, Western University
No classification provided (evidence only). Condition: Clear cell carcinoma of kidney. Review status: no classification provided. Collection method: in vitro. Allele origin: not applicable. Functional consequence: retained intron. Not counted in ClinVar's aggregate classification.

Dr. Peter K. Rogan Lab, Western University
No classification provided (evidence only). Condition: Lung cancer. Review status: no classification provided. Collection method: in vitro. Allele origin: not applicable. Functional consequence: retained intron. Not counted in ClinVar's aggregate classification.

Dr. Peter K. Rogan Lab, Western University
No classification provided (evidence only). Condition: Familial cancer of breast. Review status: no classification provided. Collection method: in vitro. Allele origin: not applicable. Functional consequence: retained intron. Not counted in ClinVar's aggregate classification.

Dr. Peter K. Rogan Lab, Western University
No classification provided (evidence only). Condition: Familial cancer of breast. Review status: no classification provided. Collection method: in vitro. Allele origin: not applicable. Functional consequence: retained intron. Not counted in ClinVar's aggregate classification.

Dr. Peter K. Rogan Lab, Western University
No classification provided (evidence only). Condition: Colon adenocarcinoma. Review status: no classification provided. Collection method: in vitro. Allele origin: not applicable. Functional consequence: retained intron. Not counted in ClinVar's aggregate classification.

Dr. Peter K. Rogan Lab, Western University
No classification provided (evidence only). Condition: Thyroid cancer, nonmedullary, 1. Review status: no classification provided. Collection method: in vitro. Allele origin: not applicable. Functional consequence: retained intron. Not counted in ClinVar's aggregate classification.

Dr. Peter K. Rogan Lab, Western University
No classification provided (evidence only). Condition: Uterine corpus endometrial carcinoma. Review status: no classification provided. Collection method: in vitro. Allele origin: not applicable. Functional consequence: retained intron. Not counted in ClinVar's aggregate classification.

Dr. Peter K. Rogan Lab, Western University
No classification provided (evidence only). Condition: Cervical cancer. Review status: no classification provided. Collection method: in vitro. Allele origin: not applicable. Functional consequence: retained intron. Not counted in ClinVar's aggregate classification.

Dr. Peter K. Rogan Lab, Western University
No classification provided (evidence only). Condition: Cervical cancer. Review status: no classification provided. Collection method: in vitro. Allele origin: not applicable. Functional consequence: retained intron. Not counted in ClinVar's aggregate classification.

Dr. Peter K. Rogan Lab, Western University
No classification provided (evidence only). Condition: Cervical cancer. Review status: no classification provided. Collection method: in vitro. Allele origin: not applicable. Functional consequence: retained intron. Not counted in ClinVar's aggregate classification.

Dr. Peter K. Rogan Lab, Western University
No classification provided (evidence only). Condition: Sarcoma. Review status: no classification provided. Collection method: in vitro. Allele origin: not applicable. Functional consequence: retained intron. Not counted in ClinVar's aggregate classification.

Dr. Peter K. Rogan Lab, Western University
No classification provided (evidence only). Condition: Sarcoma. Review status: no classification provided. Collection method: in vitro. Allele origin: not applicable. Functional consequence: retained intron. Not counted in ClinVar's aggregate classification.

Dr. Peter K. Rogan Lab, Western University
No classification provided (evidence only). Condition: Sarcoma. Review status: no classification provided. Collection method: in vitro. Allele origin: not applicable. Functional consequence: retained intron. Not counted in ClinVar's aggregate classification.

Dr. Peter K. Rogan Lab, Western University
No classification provided (evidence only). Condition: Hepatocellular carcinoma. Review status: no classification provided. Collection method: in vitro. Allele origin: not applicable. Functional consequence: retained intron. Not counted in ClinVar's aggregate classification.

Dr. Peter K. Rogan Lab, Western University
No classification provided (evidence only). Condition: Hepatocellular carcinoma. Review status: no classification provided. Collection method: in vitro. Allele origin: not applicable. Functional consequence: retained intron. Not counted in ClinVar's aggregate classification.

Dr. Peter K. Rogan Lab, Western University
No classification provided (evidence only). Condition: Hepatocellular carcinoma. Review status: no classification provided. Collection method: in vitro. Allele origin: not applicable. Functional consequence: retained intron. Not counted in ClinVar's aggregate classification.

Dr. Peter K. Rogan Lab, Western University
No classification provided (evidence only). Condition: Thymoma. Review status: no classification provided. Collection method: in vitro. Allele origin: not applicable. Functional consequence: retained intron. Not counted in ClinVar's aggregate classification.

Dr. Peter K. Rogan Lab, Western University
No classification provided (evidence only). Condition: Uterine carcinosarcoma. Review status: no classification provided. Collection method: in vitro. Allele origin: not applicable. Functional consequence: retained intron. Not counted in ClinVar's aggregate classification.

NM_001136193.2(FASTKD2):c.2018A>G (p.Asn673Ser)

Gene: FASTKD2 (FASTK mitochondrial RNA regulator 2; plus strand). Cytogenetic location: 2q33.3.
Variant type: single nucleotide variant.
Coding change: c.2018A>G on transcript NM_001136193.2 (MANE Select); coding-DNA position 2018, A replaced by G.
Protein change: p.Asn673Ser; replaces asparagine 673 with serine.
Molecular consequence: missense variant.
Genome position (GRCh38, 1-based): chr2:206,791,687, A>G. VCF-style: chr2-206791687-A-G. GRCh37 (hg19) VCF-style: chr2-207656411-A-G.
Other names: c.2018A>G, p.Asn673Ser (NM_001136194.2, NM_014929.4); short protein forms N673S.
Identifiers: ClinVar variation 333808 (VCV000333808.26), dbSNP rs142211558, ClinGen allele CA2075354.